The following is an entry in ClinVar:

NM_000088.4(COL1A1):c.1045G>T (p.Val349Phe)

Gene: COL1A1 (collagen type I alpha 1 chain; minus strand). Cytogenetic location: 17q21.33.
Variant type: single nucleotide variant.
Coding change: c.1045G>T on transcript NM_000088.4 (MANE Select); coding-DNA position 1045, G replaced by T.
Protein change: p.Val349Phe; replaces valine 349 with phenylalanine.
Molecular consequence: missense variant.
Genome position (GRCh38, 1-based): chr17:50,195,934, C>A on the plus strand (G>T on the coding strand, the complement: COL1A1 is on the minus strand). VCF-style: chr17-50195934-C-A. GRCh37 (hg19) VCF-style: chr17-48273295-C-A.
Other names: p.Val349Phe; short protein forms V349F.
Identifiers: ClinVar variation 888627 (VCV000888627.14), dbSNP rs72645362, ClinGen allele CA8645423.

ClinVar aggregate classification (germline): Conflicting classifications of pathogenicity. Review status: criteria provided, conflicting classifications (1 of 4 stars). 10 submissions from 8 submitters: Uncertain significance (7); Benign (1); Likely benign (2). Last evaluated 2025-12-22.

Conditions:
Osteogenesis imperfecta (OI). Identifiers: Orphanet 666, MedGen C0029434, MeSH D010013, MONDO:0019019.
Osteogenesis imperfecta type I (OI1). Also called: OI, TYPE I; OSTEOGENESIS IMPERFECTA TARDA; OSTEOGENESIS IMPERFECTA WITH BLUE SCLERAE; Osteogenesis imperfecta type 1; Lobstein's Disease; Lobstein disease. Identifiers: Orphanet 216796, Orphanet 666, MedGen C0023931, MONDO:0008146, OMIM 166200. Disease mechanism: loss of function.
Cardiovascular phenotype. Identifiers: MedGen CN230736.
Ehlers-Danlos syndrome, arthrochalasia type. Also called: ARTHROCHALASIS MULTIPLEX CONGENITA; EDS VII, MUTANT PROCOLLAGEN TYPE; EDS VIIA; Ehlers-Danlos syndrome, arthrochalasia type, 1; Ehlers-Danlos syndrome, arthrochalasis type. Identifiers: Orphanet 1899, Orphanet 99875, Orphanet 99876, MedGen C4551623, MONDO:0007525, OMIM 130060.
Infantile cortical hyperostosis. Also called: Caffey Disease; Hyperostosis, Cortical, Congenital; P1PK BLOOD GROUP SYSTEM, P(2) PHENOTYPE. Identifiers: Orphanet 1310, MedGen C0020497, MONDO:0007244, OMIM 114000.

Allele frequency attached by ClinVar (database versions not stated): gnomAD 0.00001; gnomAD exomes 0.00002; TOPMed 0.00003; ExAC 0.00011.
gnomAD v4.1: 37 of 1,587,412 alleles (0.0023%); highest among the groups gnomAD compares: Middle Eastern, 0.017%; no homozygotes.

Submissions (10):

Labcorp Genetics (formerly Invitae), Labcorp
Classification: Likely benign for Osteogenesis imperfecta type I. Last evaluated: 2025-12-22. Review status: criteria provided, single submitter. Criteria: Invitae Variant Classification Sherloc (09022015). Collection method: clinical testing. Allele origin: germline.

Laboratory of Genetics, Children's Clinical University Hospital Latvia
Classification: Likely benign. Last evaluated: 2025-02-16. Review status: criteria provided, single submitter. Criteria: ACMG Guidelines, 2015. Collection method: clinical testing. Allele origin: germline. Affected: yes.

GeneDx
Classification: Uncertain significance. Last evaluated: 2024-12-30. Review status: criteria provided, single submitter. Criteria: GeneDx Variant Classification Process June 2021. Collection method: clinical testing. Allele origin: germline. Affected: yes.
Comment: In silico analysis indicates that this missense variant does not alter protein structure/function; Occurs in the triple helical domain at the Y position in the canonical Gly-X-Y repeat; although this variant may have an effect on normal protein folding and function, missense substitution at the Y position is not a common mechanism of disease (HGMD); This variant is associated with the following publications: (PMID: 26188975, 18670065)

Ambry Genetics
Classification: Uncertain significance for Cardiovascular phenotype. Last evaluated: 2024-06-27. Review status: criteria provided, single submitter. Criteria: Ambry Variant Classification Scheme 2023. Collection method: clinical testing. Allele origin: germline.
Comment: The p.V349F variant (also known as c.1045G>T), located in coding exon 16 of the COL1A1 gene, results from a G to T substitution at nucleotide position 1045. The valine at codon 349 is replaced by phenylalanine, an amino acid with highly similar properties. This variant has been detected in a proband and parent with features consistent with osteogenesis imperfecta, and has also been detected in an individual with aortic aneurysm (Witecka J et al. J Appl Genet, 2008;49:283-95; Ziganshin BA et al. Ann Thorac Surg, 2015 Nov;100:1604-11). This amino acid position is not well conserved in available vertebrate species. In addition, this alteration is predicted to be deleterious by in silico analysis. Based on the available evidence, the clinical significance of this variant remains unclear.

Revvity Omics, Revvity
Classification: Uncertain significance. Last evaluated: 2024-02-29. Review status: criteria provided, single submitter. Criteria: ACMG Guidelines, 2015. Collection method: clinical testing. Allele origin: germline.

Mayo Clinic Laboratories, Mayo Clinic
Classification: Uncertain significance. Last evaluated: 2022-07-19. Review status: criteria provided, single submitter. Criteria: ACMG Guidelines, 2015. Collection method: clinical testing. Allele origin: germline. Observed: 1 variant allele.

Institute of Human Genetics, University of Leipzig Medical Center
Classification: Uncertain significance for Osteogenesis imperfecta type I. Last evaluated: 2021-06-23. Review status: criteria provided, single submitter. Criteria: ACMG Guidelines, 2015. Collection method: clinical testing. Allele origin: unknown. Affected: yes.

Illumina Laboratory Services, Illumina
Classification: Uncertain significance for Infantile cortical hyperostosis. Last evaluated: 2017-04-27. Review status: criteria provided, single submitter. Criteria: ICSL Variant Classification Criteria 13 December 2019. Collection method: clinical testing. Allele origin: germline.

Illumina Laboratory Services, Illumina
Classification: Benign for Ehlers-Danlos syndrome, arthrochalasia type. Last evaluated: 2017-04-27. Review status: criteria provided, single submitter. Criteria: ICSL Variant Classification Criteria 13 December 2019. Collection method: clinical testing. Allele origin: germline.
Comment: This variant was observed as part of a predisposition screen in an ostensibly healthy population. A literature search was performed for the gene, cDNA change, and amino acid change (where applicable). Publications were found based on this search. The evidence from the literature, in combination with allele frequency data from public databases where available, was sufficient to rule this variant out of causing disease. Therefore, this variant is classified as benign.

Illumina Laboratory Services, Illumina
Classification: Uncertain significance for Osteogenesis imperfecta. Last evaluated: 2017-04-27. Review status: criteria provided, single submitter. Criteria: ICSL Variant Classification Criteria 13 December 2019. Collection method: clinical testing. Allele origin: germline.
Comment: This variant was observed as part of a predisposition screen in an ostensibly healthy population. A literature search was performed for the gene, cDNA change, and amino acid change (where applicable). Publications were found based on this search. However, the evidence from the literature, in combination with allele frequency data from public databases where available, was not sufficient to rule this variant in or out of causing disease. Therefore, this variant is classified as a variant of unknown significance.

Literature cited by the submitters: PubMed 18670065 (cited by 3 submitters); PubMed 26188975 (cited by 3 submitters).